The following is an entry in ClinVar:

NM_000124.4(ERCC6):c.367G>A (p.Ala123Thr)

Gene: ERCC6 (ERCC excision repair 6, chromatin remodeling factor; minus strand). Cytogenetic location: 10q11.23.
Variant type: single nucleotide variant.
Coding change: c.367G>A on transcript NM_000124.4 (MANE Select); coding-DNA position 367, G replaced by A.
Protein change: p.Ala123Thr; replaces alanine 123 with threonine.
Molecular consequence: missense variant.
Genome position (GRCh38, 1-based): chr10:49,532,598, C>T on the plus strand (G>A on the coding strand, the complement: ERCC6 is on the minus strand). VCF-style: chr10-49532598-C-T. GRCh37 (hg19) VCF-style: chr10-50740644-C-T.
Other names: c.367G>A, p.Ala123Thr (NM_001277058.2, NM_001277059.2, NM_001346440.2); short protein forms A123T.
Identifiers: ClinVar variation 1990069 (VCV001990069.1), dbSNP rs750366811, ClinGen allele CA5496565.

ClinVar aggregate classification (germline): Uncertain significance (1 of 4 stars; one submission).

Allele frequency attached by ClinVar (database versions not stated): gnomAD exomes 0.00001; ExAC 0.00002.

Submission:

Labcorp Genetics (formerly Invitae), Labcorp
Classification: Uncertain significance. Last evaluated: 2022-07-22. Review status: criteria provided, single submitter. Criteria: Invitae Variant Classification Sherloc (09022015). Collection method: clinical testing. Allele origin: germline.
Comment: This sequence change replaces alanine, which is neutral and non-polar, with threonine, which is neutral and polar, at codon 123 of the ERCC6 protein (p.Ala123Thr). This variant is present in population databases (rs750366811, gnomAD 0.004%). This variant has not been reported in the literature in individuals affected with ERCC6-related conditions. Algorithms developed to predict the effect of missense changes on protein structure and function output the following: SIFT: "Tolerated"; PolyPhen-2: "Benign"; Align-GVGD: "Class C0". The threonine amino acid residue is found in multiple mammalian species, which suggests that this missense change does not adversely affect protein function. In summary, the available evidence is currently insufficient to determine the role of this variant in disease. Therefore, it has been classified as a Variant of Uncertain Significance.